The following is an entry in ClinVar:

ClinVar aggregate classification (germline): Uncertain significance (1 of 4 stars; one submission).

Submission:

GeneDx
Classification: Uncertain significance. Last evaluated: 2022-04-21. Review status: criteria provided, single submitter. Criteria: GeneDx Variant Classification Process June 2021. Collection method: clinical testing. Allele origin: germline. Affected: yes.
Comment: Not observed at significant frequency in large population cohorts (gnomAD); In silico analysis supports that this variant does not alter protein structure/function; Has not been previously published as pathogenic or benign to our knowledge

NM_003128.3(SPTBN1):c.160_161delinsTG (p.Ala54Cys)

Gene: SPTBN1 (spectrin beta, non-erythrocytic 1; plus strand). Cytogenetic location: 2p16.2.
Variant type: Indel.
Coding change: c.160_161delinsTG on transcript NM_003128.3 (MANE Select); coding-DNA positions 160 to 161, GC replaced by TG.
Protein change: p.Ala54Cys; replaces alanine 54 with cysteine.
Molecular consequence: missense variant.
Genome position (GRCh38, 1-based): chr2:54,599,103-54,599,104, GC replaced by TG. VCF-style: chr2-54599103-GC-TG. GRCh37 (hg19) VCF-style: chr2-54826240-GC-TG.
Other names: c.121_122delinsTG, p.Ala41Cys (NM_178313.3); short protein forms A41C, A54C.
Identifiers: ClinVar variation 1711960 (VCV001711960.2), dbSNP rs2549468211, ClinGen allele CA2580067299.